The following is an entry in ClinVar:

NM_001277115.2(DNAH11):c.1996G>A (p.Ala666Thr)

Gene: DNAH11 (dynein axonemal heavy chain 11; plus strand). Cytogenetic location: 7p15.3.
Variant type: single nucleotide variant.
Coding change: c.1996G>A on transcript NM_001277115.2 (MANE Select); coding-DNA position 1996, G replaced by A.
Protein change: p.Ala666Thr; replaces alanine 666 with threonine.
Molecular consequence: missense variant.
Genome position (GRCh38, 1-based): chr7:21,589,230, G>A. VCF-style: chr7-21589230-G-A. GRCh37 (hg19) VCF-style: chr7-21628848-G-A.
Other names: c.1996G>A, p.Ala666Thr (NM_003777.3); short protein forms A666T.
Identifiers: ClinVar variation 1804578 (VCV001804578.4), dbSNP rs1415369353, ClinGen allele CA366940128.

ClinVar aggregate classification (germline): Uncertain significance. Review status: criteria provided, multiple submitters, no conflicts (2 of 4 stars). 2 submissions from 2 submitters: Uncertain significance (2). Last evaluated 2022-06-17.

Conditions:
Primary ciliary dyskinesia 7. Also called: CILIARY DYSKINESIA, PRIMARY, 7, WITH OR WITHOUT SITUS INVERSUS. Identifiers: Orphanet 244, MedGen C2678473, MONDO:0012748, OMIM 611884.

Allele frequency attached by ClinVar (database versions not stated): TOPMed below 0.00001; gnomAD 0.00001.
gnomAD v4.1: 10 of 1,607,968 alleles (0.00062%); highest among the groups gnomAD compares: Middle Eastern, 0.017%; no homozygotes.

Submissions (2):

GeneDx
Classification: Uncertain significance. Last evaluated: 2022-06-17. Review status: criteria provided, single submitter. Criteria: GeneDx Variant Classification Process June 2021. Collection method: clinical testing. Allele origin: germline. Affected: yes.
Comment: Not observed at significant frequency in large population cohorts (gnomAD); In silico analysis supports that this missense variant does not alter protein structure/function; Has not been previously published as pathogenic or benign to our knowledge

Revvity Omics, Revvity
Classification: Uncertain significance for Primary ciliary dyskinesia 7. Last evaluated: 2022-01-25. Review status: criteria provided, single submitter. Criteria: ACMG Guidelines, 2015. Collection method: clinical testing. Allele origin: germline.